The following is an entry in ClinVar:

NM_001999.4(FBN2):c.6865C>A (p.Gln2289Lys)

Gene: FBN2 (fibrillin 2; minus strand). Cytogenetic location: 5q23.3.
Variant type: single nucleotide variant.
Coding change: c.6865C>A on transcript NM_001999.4 (MANE Select); coding-DNA position 6865, C replaced by A.
Protein change: p.Gln2289Lys; replaces glutamine 2289 with lysine.
Molecular consequence: missense variant.
Genome position (GRCh38, 1-based): chr5:128,287,323, G>T on the plus strand (C>A on the coding strand, the complement: FBN2 is on the minus strand). VCF-style: chr5-128287323-G-T. GRCh37 (hg19) VCF-style: chr5-127623015-G-T.
Other names: short protein forms Q2289K.
Identifiers: ClinVar variation 3659793 (VCV003659793.2).
Genomic context (GRCh38, chr5:128,287,323, plus strand): 5'-GCATGACAAATAAAGTTCGAACTACTCCCGAGTCTGAGGCCTTACCTTTGCACATCTTTT[G>T]ATCTTCCCTGAGGGCATAGCCAATCGGGCACGTGCATTCATAGGACCCAAAAGTGTTCAT-3'
Protein context (NP_001990.2, residues 2279-2299): CPIGYALRED[Gln2289Lys]KMCKDLDECA

ClinVar aggregate classification (germline): Uncertain significance (1 of 4 stars; one submission).

Conditions:
Congenital contractural arachnodactyly (CCA). Also called: BEALS SYNDROME; Arthrogryposis, distal, type 9; Beals-Hecht syndrome. Identifiers: Orphanet 115, MedGen C0220668, MONDO:0007363, OMIM 121050.

Submission:

Labcorp Genetics (formerly Invitae), Labcorp
Classification: Uncertain significance for Congenital contractural arachnodactyly. Last evaluated: 2025-03-31. Review status: criteria provided, single submitter. Criteria: Invitae Variant Classification Sherloc (09022015). Collection method: clinical testing. Allele origin: germline.
Comment: This sequence change replaces glutamine, which is neutral and polar, with lysine, which is basic and polar, at codon 2289 of the FBN2 protein (p.Gln2289Lys). This variant is not present in population databases (gnomAD no frequency). This variant has not been reported in the literature in individuals affected with FBN2-related conditions. Invitae Evidence Modeling of protein sequence and biophysical properties (such as structural, functional, and spatial information, amino acid conservation, physicochemical variation, residue mobility, and thermodynamic stability) indicates that this missense variant is not expected to disrupt FBN2 protein function with a negative predictive value of 80%. In summary, the available evidence is currently insufficient to determine the role of this variant in disease. Therefore, it has been classified as a Variant of Uncertain Significance.